The following is an entry in ClinVar:

NM_000102.4(CYP17A1):c.1162A>T (p.Lys388Ter)

Gene: CYP17A1 (cytochrome P450 family 17 subfamily A member 1; minus strand). Cytogenetic location: 10q24.32.
Variant type: single nucleotide variant.
Coding change: c.1162A>T on transcript NM_000102.4 (MANE Select); coding-DNA position 1162, A replaced by T.
Protein change: p.Lys388Ter; replaces lysine 388 with a stop codon.
Molecular consequence: nonsense.
Genome position (GRCh38, 1-based): chr10:102,831,589, T>A on the plus strand (A>T on the coding strand, the complement: CYP17A1 is on the minus strand). VCF-style: chr10-102831589-T-A. GRCh37 (hg19) VCF-style: chr10-104591346-T-A.
Other names: short protein forms K388*.
Identifiers: ClinVar variation 417889 (VCV000417889.10), dbSNP rs1060499582, ClinGen allele CA16616913.

ClinVar aggregate classification (germline): Pathogenic. Review status: criteria provided, multiple submitters, no conflicts (2 of 4 stars). 3 submissions from 3 submitters: Pathogenic (2). 1 of the submissions does not count toward it. Last evaluated 2024-11-02.

Conditions:
Deficiency of steroid 17-alpha-monooxygenase. Also called: Congenital adrenal hyperplasia due to 17-alpha-hydroxylase deficiency; Congenital adrenal hyperplasia type 5; 17-alpha-hydroxylase/17,20-lyase deficiency; 17-ALPHA-HYDROXYLASE DEFICIENCY; ADRENAL HYPERPLASIA V. Identifiers: Orphanet 90793, MedGen C0268285, MONDO:0008730, OMIM 202110.

Allele frequency attached by ClinVar (database versions not stated): gnomAD exomes below 0.00001.
gnomAD v4.1: 1 of 1,613,948 alleles (0.000062%); highest among the groups gnomAD compares: Non-Finnish European, 0.000085%; no homozygotes.

Submissions (3):

Labcorp Genetics (formerly Invitae), Labcorp
Classification: Pathogenic. Last evaluated: 2024-11-02. Review status: criteria provided, single submitter. Criteria: Invitae Variant Classification Sherloc (09022015). Collection method: clinical testing. Allele origin: germline.
Comment: This sequence change creates a premature translational stop signal (p.Lys388*) in the CYP17A1 gene. It is expected to result in an absent or disrupted protein product. Loss-of-function variants in CYP17A1 are known to be pathogenic (PMID: 10720067, 14747197, 17192295, 20197673, 24140098). This variant is not present in population databases (gnomAD no frequency). This premature translational stop signal has been observed in individual(s) with 17alpha-hydroxylase deficiency (PMID: 15844475). In at least one individual the data is consistent with being in trans (on the opposite chromosome) from a pathogenic variant. It has also been observed to segregate with disease in related individuals. ClinVar contains an entry for this variant (Variation ID: 417889). Algorithms developed to predict the effect of sequence changes on RNA splicing suggest that this variant may disrupt the consensus splice site. For these reasons, this variant has been classified as Pathogenic.

Baylor Genetics
Classification: Pathogenic for Deficiency of steroid 17-alpha-monooxygenase. Last evaluated: 2023-09-02. Review status: criteria provided, single submitter. Criteria: ACMG Guidelines, 2015. Collection method: clinical testing. Allele origin: unknown.

Division of Human Genetics, Children's Hospital of Philadelphia
Classification: Pathogenic for Deficiency of steroid 17-alpha-monooxygenase. Last evaluated: 2016-08-16. Review status: no assertion criteria provided. Collection method: research. Allele origin: maternal. Study: CSER-PediSeq. Not counted in ClinVar's aggregate classification.

Literature cited by the submitters: PubMed 10720067 (cited by Labcorp Genetics (formerly Invitae), Labcorp); PubMed 14747197 (cited by Labcorp Genetics (formerly Invitae), Labcorp); PubMed 17192295 (cited by Labcorp Genetics (formerly Invitae), Labcorp); PubMed 20197673 (cited by Labcorp Genetics (formerly Invitae), Labcorp); PubMed 24140098 (cited by Labcorp Genetics (formerly Invitae), Labcorp); PubMed 15844475 (cited by Labcorp Genetics (formerly Invitae), Labcorp and Division of Human Genetics, Children's Hospital of Philadelphia).